The following is an entry in ClinVar:

NM_007327.4(GRIN1):c.-24G>A

Gene: GRIN1 (glutamate ionotropic receptor NMDA type subunit 1; plus strand). Cytogenetic location: 9q34.3.
Variant type: single nucleotide variant.
Coding change: c.-24G>A on transcript NM_007327.4 (MANE Select); 24 bases upstream of the start codon, G replaced by A.
Molecular consequence: 5 prime UTR variant.
Genome position (GRCh38, 1-based): chr9:137,139,463, G>A. VCF-style: chr9-137139463-G-A. GRCh37 (hg19) VCF-style: chr9-140033915-G-A.
Other names: c.-24G>A (NM_000832.7, NM_001185090.2, NM_001185091.2 and 1 more transcripts).
Identifiers: ClinVar variation 391943 (VCV000391943.1), dbSNP rs955395023, ClinGen allele CA16605797.

ClinVar aggregate classification (germline): Likely benign (1 of 4 stars; one submission).

Allele frequency attached by ClinVar (database versions not stated): TOPMed 0.00003; gnomAD 0.00004 and 0.00005; 1000 Genomes Project 30x 0.00016.
gnomAD v4.1: 12 of 1,533,888 alleles (0.00078%); highest among the groups gnomAD compares: African/African-American, 0.014%; no homozygotes.

Submission:

GeneDx
Classification: Likely benign. Last evaluated: 2016-12-15. Review status: criteria provided, single submitter. Criteria: GeneDx Variant Classification (06012015). Collection method: clinical testing. Allele origin: germline. Affected: yes.
Comment: This variant is considered likely benign or benign based on one or more of the following criteria: it is a conservative change, it occurs at a poorly conserved position in the protein, it is predicted to be benign by multiple in silico algorithms, and/or has population frequency not consistent with disease.